The following is an entry in ClinVar:

ClinVar aggregate classification (germline): Conflicting classifications of pathogenicity. Review status: criteria provided, conflicting classifications (1 of 4 stars). 4 submissions from 4 submitters: Uncertain significance (3); Likely benign (1). Last evaluated 2023-03-23.

Conditions:
Hereditary cancer-predisposing syndrome. Also called: Hereditary Cancer Syndrome; Neoplastic Syndromes, Hereditary; Tumor predisposition; Hereditary neoplastic syndrome. Identifiers: Orphanet 140162, MedGen C0027672, MeSH D009386, MONDO:0015356.
Hereditary breast ovarian cancer syndrome. Also called: Hereditary breast and ovarian cancer syndrome; Hereditary breast and ovarian cancer; Hereditary breast and ovarian cancer syndrome (HBOC); Breast and ovarian cancer; Hereditary breast and/or ovarian cancer syndrome; BRCA1- and BRCA2-Associated Hereditary Breast and Ovarian Cancer. Identifiers: Orphanet 145, MedGen C0677776, MeSH D061325, MONDO:0003582. Disease mechanism: loss of function.

Allele frequency attached by ClinVar (database versions not stated): gnomAD exomes below 0.00001.
gnomAD v4.1: 1 of 1,614,192 alleles (0.000062%); highest among the groups gnomAD compares: East Asian, 0.0022%; no homozygotes.

Submissions (4):

University of Washington Department of Laboratory Medicine, University of Washington
Classification: Likely benign for Hereditary cancer-predisposing syndrome. Last evaluated: 2023-03-23. Review status: criteria provided, single submitter. Criteria: Dines et al. (Genet Med. 2020). Collection method: curation. Allele origin: germline.
Comment: Missense variant in a coldspot region where missense variants are very unlikely to be pathogenic (PMID:31911673).

BRCA1 coldspot (exon 11 using historical exon numbering). Reclassification based on statistical prior probability

Women's Health and Genetics/Laboratory Corporation of America, LabCorp
Classification: Uncertain significance. Last evaluated: 2022-12-25. Review status: criteria provided, single submitter. Criteria: LabCorp Variant Classification Summary - May 2015. Collection method: clinical testing. Allele origin: germline.

Labcorp Genetics (formerly Invitae), Labcorp
Classification: Uncertain significance for Hereditary breast ovarian cancer syndrome. Last evaluated: 2022-09-07. Review status: criteria provided, single submitter. Criteria: Invitae Variant Classification Sherloc (09022015). Collection method: clinical testing. Allele origin: germline.
Comment: This sequence change replaces serine, which is neutral and polar, with asparagine, which is neutral and polar, at codon 324 of the BRCA1 protein (p.Ser324Asn). This variant is present in population databases (no rsID available, gnomAD 0.006%). This variant has not been reported in the literature in individuals affected with BRCA1-related conditions. ClinVar contains an entry for this variant (Variation ID: 481450). Advanced modeling of protein sequence and biophysical properties (such as structural, functional, and spatial information, amino acid conservation, physicochemical variation, residue mobility, and thermodynamic stability) performed at Invitae indicates that this missense variant is not expected to disrupt BRCA1 protein function. In summary, the available evidence is currently insufficient to determine the role of this variant in disease. Therefore, it has been classified as a Variant of Uncertain Significance.

Ambry Genetics
Classification: Uncertain significance for Hereditary cancer-predisposing syndrome. Last evaluated: 2016-06-22. Review status: criteria provided, single submitter. Criteria: Ambry Variant Classification Scheme 2023. Collection method: clinical testing. Allele origin: germline.
Comment: The p.S324N variant (also known as c.971G>A), located in coding exon 9 of the BRCA1 gene, results from a G to A substitution at nucleotide position 971. The serine at codon 324 is replaced by asparagine, an amino acid with highly similar properties. This variant was not reported in population based cohorts in the following databases: Database of Single Nucleotide Polymorphisms (dbSNP), NHLBI Exome Sequencing Project (ESP), and 1000 Genomes Project. In the ESP, this variant was not observed in 6503 samples (13006 alleles) with coverage at this position. To date, this alteration has been detected with an allele frequency of approximately 0.0003% (greater than 300000 alleles tested) in our clinical cohort. This amino acid position is well conserved in available vertebrate species. In addition, the in silico prediction for this alteration is inconclusive. Since supporting evidence is limited at this time, the clinical significance of this alteration remains unclear.

NM_007294.4(BRCA1):c.971G>A (p.Ser324Asn)

Gene: BRCA1 (BRCA1 DNA repair associated; minus strand). Cytogenetic location: 17q21.31.
Variant type: single nucleotide variant.
Coding change: c.971G>A on transcript NM_007294.4 (MANE Select); coding-DNA position 971, G replaced by A.
Protein change: p.Ser324Asn; replaces serine 324 with asparagine.
Molecular consequence: missense variant. On other transcripts: intron variant (137).
Genome position (GRCh38, 1-based): chr17:43,094,560, C>T on the plus strand (G>A on the coding strand, the complement: BRCA1 is on the minus strand). VCF-style: chr17-43094560-C-T. GRCh37 (hg19) VCF-style: chr17-41246577-C-T.
Other names: c.704G>A, p.Ser235Asn (NM_001407932.1, NM_001407930.1, NM_001407931.1 and 2 more transcripts); c.707G>A, p.Ser236Asn (NM_001407927.1, NM_001407928.1, NM_001407929.1 and 9 more transcripts); c.758G>A, p.Ser253Asn (NM_001407571.1, NM_001407853.1, NM_001407894.1 and 9 more transcripts); c.971G>A, p.Ser324Asn (NM_001407581.1, NM_001407582.1, NM_001407583.1 and 30 more transcripts); c.968G>A, p.Ser323Asn (NM_001407587.1, NM_001407590.1, NM_001407591.1 and 22 more transcripts); c.962G>A, p.Ser321Asn (NM_001407646.1, NM_001407647.1); c.848G>A, p.Ser283Asn (NM_001407648.1, NM_001407664.1, NM_001407665.1 and 19 more transcripts); c.845G>A, p.Ser282Asn (NM_001407649.1, NM_001407670.1, NM_001407671.1 and 11 more transcripts); and 40 more; short protein forms S324N, S277N, S196N, S254N, S257N, S28N, S156N, S213N.
Identifiers: ClinVar variation 481450 (VCV000481450.20), dbSNP rs1462728426, ClinGen allele CA10600122.